The following is an entry in ClinVar:

ClinVar aggregate classification (germline): Uncertain significance. Review status: criteria provided, multiple submitters, no conflicts (2 of 4 stars). 3 submissions from 3 submitters: Uncertain significance (3). Last evaluated 2025-01-19.

Conditions:
Glycogen storage disease due to muscle and heart glycogen synthase deficiency. Also called: GSD 0b; MUSCLE GLYCOGEN SYNTHASE DEFICIENCY. Identifiers: Orphanet 137625, MedGen C1969054, MONDO:0012693, OMIM 611556.
Inborn genetic diseases. Identifiers: MedGen C0950123, MeSH D030342.

Allele frequency attached by ClinVar (database versions not stated): ExAC 0.00007; TOPMed 0.00019; 1000 Genomes Project 0.00020; gnomAD exomes 0.00021 and 0.00010; gnomAD 0.00012; 1000 Genomes Project 30x 0.00016.
gnomAD v4.1: 326 of 1,614,218 alleles (0.02%); highest among the groups gnomAD compares: Admixed American, 0.028%; no homozygotes.

Submissions (3):

Ambry Genetics
Classification: Uncertain significance for Inborn genetic diseases. Last evaluated: 2025-01-19. Review status: criteria provided, single submitter. Criteria: Ambry Variant Classification Scheme 2023. Collection method: clinical testing. Allele origin: germline.

Blueprint Genetics
Classification: Uncertain significance. Last evaluated: 2024-07-18. Review status: criteria provided, single submitter. Criteria: ACMG Guidelines, 2015. Collection method: clinical testing. Allele origin: germline.

Labcorp Genetics (formerly Invitae), Labcorp
Classification: Uncertain significance for Glycogen storage disease due to muscle and heart glycogen synthase deficiency. Last evaluated: 2024-01-29. Review status: criteria provided, single submitter. Criteria: Invitae Variant Classification Sherloc (09022015). Collection method: clinical testing. Allele origin: germline.
Comment: This sequence change replaces glycine, which is neutral and non-polar, with serine, which is neutral and polar, at codon 185 of the GYS1 protein (p.Gly185Ser). This variant is present in population databases (rs201248933, gnomAD 0.02%). This variant has not been reported in the literature in individuals affected with GYS1-related conditions. ClinVar contains an entry for this variant (Variation ID: 862647). Advanced modeling of protein sequence and biophysical properties (such as structural, functional, and spatial information, amino acid conservation, physicochemical variation, residue mobility, and thermodynamic stability) performed at Invitae indicates that this missense variant is not expected to disrupt GYS1 protein function with a negative predictive value of 80%. In summary, the available evidence is currently insufficient to determine the role of this variant in disease. Therefore, it has been classified as a Variant of Uncertain Significance.

NM_002103.5(GYS1):c.553G>A (p.Gly185Ser)

Gene: GYS1 (glycogen synthase 1; minus strand). Cytogenetic location: 19q13.33.
Variant type: single nucleotide variant.
Coding change: c.553G>A on transcript NM_002103.5 (MANE Select); coding-DNA position 553, G replaced by A.
Protein change: p.Gly185Ser; replaces glycine 185 with serine.
Molecular consequence: missense variant. On other transcripts: non-coding transcript variant (1).
Genome position (GRCh38, 1-based): chr19:48,985,975, C>T on the plus strand (G>A on the coding strand, the complement: GYS1 is on the minus strand). VCF-style: chr19-48985975-C-T. GRCh37 (hg19) VCF-style: chr19-49489232-C-T.
Other names: c.361G>A, p.Gly121Ser (NM_001161587.2); short protein forms G121S, G185S.
Identifiers: ClinVar variation 862647 (VCV000862647.9), dbSNP rs201248933, ClinGen allele CA9563306.
Genomic context (GRCh38, chr19:48,985,975, plus strand): 5'-GGGTGGTGAAGATGGTTGCTACAGGCAGTCGCCGGGCACGACACAGGCAGAGTCCAACGC[C>T]TGCCAACCACTCATGGAAGTGAGCAACCACATGTGGCTTCTCCTCACTCTGTGCCAGGAA-3'
Protein context (NP_002094.2, residues 175-195): VVAHFHEWLA[Gly185Ser]VGLCLCRARR